The following is an entry in ClinVar:

ClinVar aggregate classification (germline): Uncertain significance (1 of 4 stars; one submission).

gnomAD v4.1: 7 of 1,596,098 alleles (0.00044%); highest among the groups gnomAD compares: South Asian, 0.0079%; no homozygotes.

Submission:

Labcorp Genetics (formerly Invitae), Labcorp
Classification: Uncertain significance. Last evaluated: 2022-10-04. Review status: criteria provided, single submitter. Criteria: Invitae Variant Classification Sherloc (09022015). Collection method: clinical testing. Allele origin: germline.
Comment: In summary, the available evidence is currently insufficient to determine the role of this variant in disease. Therefore, it has been classified as a Variant of Uncertain Significance. Advanced modeling of protein sequence and biophysical properties (such as structural, functional, and spatial information, amino acid conservation, physicochemical variation, residue mobility, and thermodynamic stability) has been performed at Invitae for this missense variant, however the output from this modeling did not meet the statistical confidence thresholds required to predict the impact of this variant on PDE6B protein function. This variant has not been reported in the literature in individuals affected with PDE6B-related conditions. The frequency data for this variant in the population databases is considered unreliable, as metrics indicate poor data quality at this position in the gnomAD database. This sequence change replaces valine, which is neutral and non-polar, with leucine, which is neutral and non-polar, at codon 142 of the PDE6B protein (p.Val142Leu).

NM_000283.4(PDE6B):c.424G>T (p.Val142Leu)

Gene: PDE6B (phosphodiesterase 6B; plus strand). Cytogenetic location: 4p16.3.
Variant type: single nucleotide variant.
Coding change: c.424G>T on transcript NM_000283.4 (MANE Select); coding-DNA position 424, G replaced by T.
Protein change: p.Val142Leu; replaces valine 142 with leucine.
Molecular consequence: missense variant.
Genome position (GRCh38, 1-based): chr4:626,050, G>T. VCF-style: chr4-626050-G-T. GRCh37 (hg19) VCF-style: chr4-619839-G-T.
Other names: c.424G>T, p.Val142Leu (NM_001145291.2); short protein forms V142L.
Identifiers: ClinVar variation 1966811 (VCV001966811.5), dbSNP rs370159647, ClinGen allele CA355907172.